The following is an entry in ClinVar:

NM_020999.4(NEUROG3):c.422T>G (p.Ile141Arg)

Gene: NEUROG3 (neurogenin 3; minus strand). Cytogenetic location: 10q22.1.
Variant type: single nucleotide variant.
Coding change: c.422T>G on transcript NM_020999.4 (MANE Select); coding-DNA position 422, T replaced by G.
Protein change: p.Ile141Arg; replaces isoleucine 141 with arginine.
Molecular consequence: missense variant.
Genome position (GRCh38, 1-based): chr10:69,572,622, A>C on the plus strand (T>G on the coding strand, the complement: NEUROG3 is on the minus strand). VCF-style: chr10-69572622-A-C. GRCh37 (hg19) VCF-style: chr10-71332378-A-C.
Other names: short protein forms I141R.
Identifiers: ClinVar variation 4698962 (VCV004698962.1).

ClinVar aggregate classification (germline): Uncertain significance (1 of 4 stars; one submission).

Submission:

Labcorp Genetics (formerly Invitae), Labcorp
Classification: Uncertain significance. Last evaluated: 2025-05-25. Review status: criteria provided, single submitter. Criteria: Invitae Variant Classification Sherloc (09022015). Collection method: clinical testing. Allele origin: germline.
Comment: This sequence change replaces isoleucine, which is neutral and non-polar, with arginine, which is basic and polar, at codon 141 of the NEUROG3 protein (p.Ile141Arg). This variant is not present in population databases (gnomAD no frequency). This variant has not been reported in the literature in individuals affected with NEUROG3-related conditions. An algorithm developed to predict the effect of missense changes on protein structure and function (PolyPhen-2) suggests that this variant is likely to be tolerated. In summary, the available evidence is currently insufficient to determine the role of this variant in disease. Therefore, it has been classified as a Variant of Uncertain Significance.